The following is an entry in ClinVar:

NM_000562.3(C8A):c.1558C>T (p.Arg520Cys)

Gene: C8A (complement C8 alpha chain; plus strand). Cytogenetic location: 1p32.2.
Variant type: single nucleotide variant.
Coding change: c.1558C>T on transcript NM_000562.3 (MANE Select); coding-DNA position 1558, C replaced by T.
Protein change: p.Arg520Cys; replaces arginine 520 with cysteine.
Molecular consequence: missense variant.
Genome position (GRCh38, 1-based): chr1:56,912,580, C>T. VCF-style: chr1-56912580-C-T. GRCh37 (hg19) VCF-style: chr1-57378253-C-T.
Other names: c.1558C>T (NM_000562.2); short protein forms R520C.
Identifiers: ClinVar variation 1054164 (VCV001054164.7), dbSNP rs202001060, ClinGen allele CA875428.

ClinVar aggregate classification (germline): Conflicting classifications of pathogenicity. Review status: criteria provided, conflicting classifications (1 of 4 stars). 3 submissions from 3 submitters: Uncertain significance (2); Likely benign (1). Last evaluated 2025-07-03.

Allele frequency attached by ClinVar (database versions not stated): ESP Exome Variant Server 0.00015; gnomAD 0.00023; ExAC 0.00029; gnomAD exomes 0.00031 and 0.00037.

Submissions (3):

Ambry Genetics
Classification: Uncertain significance. Last evaluated: 2025-07-03. Review status: criteria provided, single submitter. Criteria: Ambry Variant Classification Scheme 2023. Collection method: clinical testing. Allele origin: germline.

Blueprint Genetics
Classification: Likely benign. Last evaluated: 2024-11-13. Review status: criteria provided, single submitter. Criteria: ACMG Guidelines, 2015. Collection method: clinical testing. Allele origin: germline.

Labcorp Genetics (formerly Invitae), Labcorp
Classification: Uncertain significance. Last evaluated: 2022-08-31. Review status: criteria provided, single submitter. Criteria: Invitae Variant Classification Sherloc (09022015). Collection method: clinical testing. Allele origin: germline.
Comment: This sequence change replaces arginine, which is basic and polar, with cysteine, which is neutral and slightly polar, at codon 520 of the C8A protein (p.Arg520Cys). This variant is present in population databases (rs202001060, gnomAD 0.08%). This variant has not been reported in the literature in individuals affected with C8A-related conditions. ClinVar contains an entry for this variant (Variation ID: 1054164). Algorithms developed to predict the effect of missense changes on protein structure and function are either unavailable or do not agree on the potential impact of this missense change (SIFT: "Deleterious"; PolyPhen-2: "Possibly Damaging"; Align-GVGD: "Class C15"). In summary, the available evidence is currently insufficient to determine the role of this variant in disease. Therefore, it has been classified as a Variant of Uncertain Significance.